The following is an entry in ClinVar:

ClinVar aggregate classification (germline): Uncertain significance (1 of 4 stars; one submission).

Conditions:
Cardiovascular phenotype. Identifiers: MedGen CN230736.

Submission:

Ambry Genetics
Classification: Uncertain significance for Cardiovascular phenotype. Last evaluated: 2025-11-24. Review status: criteria provided, single submitter. Criteria: Ambry Variant Classification Scheme 2023. Collection method: clinical testing. Allele origin: germline.
Comment: The p.V893M variant (also known as c.2677G>A), located in coding exon 18 of the VCL gene, results from a G to A substitution at nucleotide position 2677. The valine at codon 893 is replaced by methionine, an amino acid with highly similar properties. This amino acid position is conserved. In addition, this alteration is predicted to be tolerated by in silico analysis. Based on the available evidence, the clinical significance of this variant remains unclear.

NM_014000.3(VCL):c.2677G>A (p.Val893Met)

Gene: VCL (vinculin; plus strand). Cytogenetic location: 10q22.2.
Variant type: single nucleotide variant.
Coding change: c.2677G>A on transcript NM_014000.3 (MANE Select); coding-DNA position 2677, G replaced by A.
Protein change: p.Val893Met; replaces valine 893 with methionine.
Molecular consequence: missense variant.
Genome position (GRCh38, 1-based): chr10:74,109,088, G>A. VCF-style: chr10-74109088-G-A. GRCh37 (hg19) VCF-style: chr10-75868846-G-A.
Other names: c.2677G>A, p.Val893Met (NM_003373.4); short protein forms V893M.
Identifiers: ClinVar variation 4615413 (VCV004615413.1).